The following is an entry in ClinVar:

ClinVar aggregate classification (germline): Uncertain significance (1 of 4 stars; one submission).

Conditions:
Hereditary cancer-predisposing syndrome. Also called: Neoplastic Syndromes, Hereditary; Tumor predisposition; Hereditary Cancer Syndrome; Hereditary neoplastic syndrome. Identifiers: Orphanet 140162, MedGen C0027672, MeSH D009386, MONDO:0015356.

gnomAD v4.1: 1 of 1,574,680 alleles (0.000064%); highest among the groups gnomAD compares: Non-Finnish European, 0.000086%; no homozygotes.

Submission:

Ambry Genetics
Classification: Uncertain significance for Hereditary cancer-predisposing syndrome. Last evaluated: 2026-04-26. Review status: criteria provided, single submitter. Criteria: Ambry Variant Classification Scheme 2023. Collection method: clinical testing. Allele origin: germline.
Comment: The p.E568K variant (also known as c.1702G>A), located in coding exon 6 of the BLM gene, results from a G to A substitution at nucleotide position 1702. The glutamic acid at codon 568 is replaced by lysine, an amino acid with similar properties. This amino acid position is conserved. In addition, the in silico prediction for this alteration is inconclusive. Based on the available evidence, the clinical significance of this variant remains unclear.

NM_000057.4(BLM):c.1702G>A (p.Glu568Lys)

Gene: BLM (BLM RecQ like helicase; plus strand). Cytogenetic location: 15q26.1.
Variant type: single nucleotide variant.
Coding change: c.1702G>A on transcript NM_000057.4 (MANE Select); coding-DNA position 1702, G replaced by A.
Protein change: p.Glu568Lys; replaces glutamic acid 568 with lysine.
Molecular consequence: missense variant.
Genome position (GRCh38, 1-based): chr15:90,761,075, G>A. VCF-style: chr15-90761075-G-A. GRCh37 (hg19) VCF-style: chr15-91304305-G-A.
Other names: c.1702G>A, p.Glu568Lys (NM_001287246.2, NM_001287247.2); c.577G>A, p.Glu193Lys (NM_001287248.2); short protein forms E193K, E568K.
Identifiers: ClinVar variation 4867494 (VCV004867494.1).